The following is an entry in ClinVar:

NM_000179.3(MSH6):c.79G>A (p.Ala27Thr)

Gene: MSH6 (mutS homolog 6; plus strand). Cytogenetic location: 2p16.3.
Variant type: single nucleotide variant.
Coding change: c.79G>A on transcript NM_000179.3 (MANE Select); coding-DNA position 79, G replaced by A.
Protein change: p.Ala27Thr; replaces alanine 27 with threonine.
Molecular consequence: missense variant. On other transcripts: 5 prime UTR variant (7), synonymous variant (1), non-coding transcript variant (5), intron variant (5).
Genome position (GRCh38, 1-based): chr2:47,783,312, G>A. VCF-style: chr2-47783312-G-A. GRCh37 (hg19) VCF-style: chr2-48010451-G-A.
Other names: c.79G>A, p.Ala27Thr (NM_001281492.2, NM_001406795.1, NM_001406796.1 and 9 more transcripts); c.-658G>A (NM_001281493.2, NM_001406811.1); c.-250G>A (NM_001406799.1); c.24G>A, p.Gly8= (NM_001406804.1); c.-850G>A (NM_001406807.1); c.-505G>A (NM_001406812.1); c.-916G>A (NM_001406814.1); c.-461G>A (NM_001406816.1); and 3 more; short protein forms A27T.
Identifiers: ClinVar variation 3398828 (VCV003398828.2).
Genomic context (GRCh38, chr2:47,783,312, plus strand): 5'-CTGTACAGCTTCTTCCCCAAGTCTCCGGCGCTGAGTGATGCCAACAAGGCCTCGGCCAGG[G>A]CCTCACGCGAAGGCGGCCGTGCCGCCGCTGCCCCCGGGGCCTCTCCTTCCCCAGGCGGGG-3'
Protein context (NP_000170.1, residues 17-37): LSDANKASAR[Ala27Thr]SREGGRAAAA

ClinVar aggregate classification (germline): Uncertain significance. Review status: criteria provided, multiple submitters, no conflicts (2 of 4 stars). 2 submissions from 2 submitters: Uncertain significance (2). Last evaluated 2024-09-24.

Conditions:
Hereditary cancer-predisposing syndrome. Also called: Hereditary Cancer Syndrome; Tumor predisposition; Hereditary neoplastic syndrome; Neoplastic Syndromes, Hereditary. Identifiers: Orphanet 140162, MedGen C0027672, MeSH D009386, MONDO:0015356.
Lynch syndrome 5 (LYNCH5). Also called: Hereditary non-polyposis colorectal cancer, type 5; Colorectal cancer, hereditary nonpolyposis, type 5. Identifiers: Orphanet 144, MedGen C1833477, MONDO:0013710, OMIM 614350. Disease mechanism: loss of function.

Submissions (2):

Ambry Genetics
Classification: Uncertain significance for Hereditary cancer-predisposing syndrome. Last evaluated: 2024-09-24. Review status: criteria provided, single submitter. Criteria: Ambry Variant Classification Scheme 2023. Collection method: clinical testing. Allele origin: germline.
Comment: The p.A27T variant (also known as c.79G>A), located in coding exon 1 of the MSH6 gene, results from a G to A substitution at nucleotide position 79. The alanine at codon 27 is replaced by threonine, an amino acid with similar properties. This amino acid position is conserved. In addition, this alteration is predicted to be tolerated by in silico analysis. Based on the available evidence, the clinical significance of this variant remains unclear.

Molecular Pathology, Peter Maccallum Cancer Centre
Classification: Uncertain significance for Lynch syndrome 5. Last evaluated: 2024-07-18. Review status: criteria provided, single submitter. Criteria: ACMG Guidelines, 2015. Collection method: clinical testing. Allele origin: germline. Inheritance: Autosomal dominant inheritance.